The following is an entry in ClinVar:

ClinVar aggregate classification (germline): Uncertain significance. Review status: criteria provided, multiple submitters, no conflicts (2 of 4 stars). 2 submissions from 2 submitters: Uncertain significance (2). Last evaluated 2025-05-18.

Conditions:
Hereditary cancer-predisposing syndrome. Also called: Hereditary Cancer Syndrome; Neoplastic Syndromes, Hereditary; Hereditary neoplastic syndrome; Tumor predisposition. Identifiers: Orphanet 140162, MedGen C0027672, MeSH D009386, MONDO:0015356.
Familial cancer of breast. Also called: hereditary breast carcinoma; BREAST CANCER, FAMILIAL; Hereditary breast cancer. Identifiers: Orphanet 227535, MedGen C0346153, MONDO:0016419, OMIM 114480. Disease mechanism: loss of function.

Submissions (2):

Ambry Genetics
Classification: Uncertain significance for Hereditary cancer-predisposing syndrome. Last evaluated: 2025-05-18. Review status: criteria provided, single submitter. Criteria: Ambry Variant Classification Scheme 2023. Collection method: clinical testing. Allele origin: germline.
Comment: The p.Q245H variant (also known as c.735A>C), located in coding exon 4 of the BARD1 gene, results from an A to C substitution at nucleotide position 735. The glutamine at codon 245 is replaced by histidine, an amino acid with highly similar properties. This amino acid position is conserved. In addition, this alteration is predicted to be tolerated by in silico analysis. Based on the available evidence, the clinical significance of this variant remains unclear.

Labcorp Genetics (formerly Invitae), Labcorp
Classification: Uncertain significance for Familial cancer of breast. Last evaluated: 2024-07-03. Review status: criteria provided, single submitter. Criteria: Invitae Variant Classification Sherloc (09022015). Collection method: clinical testing. Allele origin: germline.
Comment: This sequence change replaces glutamine, which is neutral and polar, with histidine, which is basic and polar, at codon 245 of the BARD1 protein (p.Gln245His). This variant is not present in population databases (gnomAD no frequency). This variant has not been reported in the literature in individuals affected with BARD1-related conditions. An algorithm developed to predict the effect of missense changes on protein structure and function (PolyPhen-2) suggests that this variant is likely to be disruptive. In summary, the available evidence is currently insufficient to determine the role of this variant in disease. Therefore, it has been classified as a Variant of Uncertain Significance.

NM_000465.4(BARD1):c.735A>C (p.Gln245His)

Gene: BARD1 (BRCA1 associated RING domain 1; minus strand). Cytogenetic location: 2q35.
Variant type: single nucleotide variant.
Coding change: c.735A>C on transcript NM_000465.4 (MANE Select); coding-DNA position 735, A replaced by C.
Protein change: p.Gln245His; replaces glutamine 245 with histidine.
Molecular consequence: missense variant. On other transcripts: non-coding transcript variant (2), intron variant (3).
Genome position (GRCh38, 1-based): chr2:214,781,139, T>G on the plus strand (A>C on the coding strand, the complement: BARD1 is on the minus strand). VCF-style: chr2-214781139-T-G. GRCh37 (hg19) VCF-style: chr2-215645863-T-G.
Other names: c.678A>C, p.Gln226His (NM_001282543.2); c.158+28273A>C (NM_001282548.2); c.215+15922A>C (NM_001282545.2); c.364+11158A>C (NM_001282549.2); c.735A>C (NM_000465.2); short protein forms Q226H, Q245H.
Identifiers: ClinVar variation 3653451 (VCV003653451.3).